The following is an entry in ClinVar:

NM_000059.4(BRCA2):c.993_994dup (p.Ile332fs)

Gene: BRCA2 (BRCA2 DNA repair associated; plus strand). Cytogenetic location: 13q13.1.
Variant type: Duplication.
Coding change: c.993_994dup on transcript NM_000059.4 (MANE Select); coding-DNA positions 993 to 994, 2 bases duplicated (AA; older notation c.993_994dupAA).
Protein change: p.Ile332fs; shifts the reading frame from isoleucine 332.
Molecular consequence: frameshift variant.
Genome position (GRCh38, 1-based): chr13:32,332,471-32,332,472, AA duplicated; duplicating any 2 consecutive bases within chr13:32,332,466-32,332,472 gives the same sequence; the c. name uses the placement nearest the transcript's 3' end. VCF-style (leftmost placement, unchanged base first): chr13-32332465-G-GAA. GRCh37 (hg19) VCF-style: chr13-32906602-G-GAA.
Other names: c.993_994dupAA (NM_000059.3); short protein forms I332fs.
Identifiers: ClinVar variation 52923 (VCV000052923.4), dbSNP rs80359777, ClinGen allele CA026343.

ClinVar aggregate classification (germline): Pathogenic. Review status: reviewed by expert panel (3 of 4 stars). 3 submissions from 3 submitters: Pathogenic (1). 2 of the submissions do not count toward it. Last evaluated 2017-12-15.

Conditions:
Familial cancer of breast. Also called: BREAST CANCER, FAMILIAL; Hereditary breast cancer; hereditary breast carcinoma. Identifiers: Orphanet 227535, MedGen C0346153, MONDO:0016419, OMIM 114480. Disease mechanism: loss of function.
Breast-ovarian cancer, familial, susceptibility to, 2 (BROVCA2). Also called: BRCA2 Hereditary Breast and Ovarian Cancer. Identifiers: Orphanet 145, MedGen C2675520, MONDO:0012933, OMIM 612555. Disease mechanism: loss of function.

Submissions (3):

Evidence-based Network for the Interpretation of Germline Mutant Alleles (ENIGMA)
Classification: Pathogenic for Breast-ovarian cancer, familial, susceptibility to, 2. Last evaluated: 2017-12-15. Review status: reviewed by expert panel. Criteria: ENIGMA BRCA1/2 Classification Criteria (2017-06-29). Collection method: curation. Allele origin: germline. Study: ENIGMA.
Comment: Variant allele predicted to encode a truncated non-functional protein.

Molecular Pathology, Peter Maccallum Cancer Centre
Classification: Pathogenic for Breast-ovarian cancer, familial, susceptibility to, 2. Last evaluated: 2024-09-06. Review status: criteria provided, single submitter. Criteria: ACMG Guidelines, 2015. Collection method: clinical testing. Allele origin: germline. Inheritance: Autosomal dominant inheritance. Not counted in ClinVar's aggregate classification.

ClinVar Staff, National Center for Biotechnology Information (NCBI)
No classification provided. Condition: Familial cancer of breast. Review status: no classification provided. Collection method: literature only. Allele origin: germline. Affected: yes. Not counted in ClinVar's aggregate classification.

Literature cited by the submitters: PubMed 21614564 (cited by ClinVar Staff, National Center for Biotechnology Information (NCBI)).